The following is an entry in ClinVar:

NM_000275.3(OCA2):c.2338+1453C>T

Gene: OCA2 (OCA2 melanosomal transmembrane protein; minus strand). Cytogenetic location: 15q13.1.
Variant type: single nucleotide variant.
Coding change: c.2338+1453C>T on transcript NM_000275.3 (MANE Select); 1453 bases into the intron after coding-DNA position 2338, C replaced by T.
Molecular consequence: intron variant.
Genome position (GRCh38, 1-based): chr15:27,849,929, G>A on the plus strand (C>T on the coding strand, the complement: OCA2 is on the minus strand). VCF-style: chr15-27849929-G-A. GRCh37 (hg19) VCF-style: chr15-28095075-G-A.
Other names: c.2266+1453C>T (NM_001300984.2).
Identifiers: ClinVar variation 3338138 (VCV003338138.1).

ClinVar aggregate classification (germline): Uncertain significance (0 of 4 stars; one submission).

Conditions:
Visual impairment. Also called: Impaired vision; vision problems. Identifiers: MedGen C3665347, HP:0000505.

gnomAD v4.1: 131 of 152,202 alleles (0.086%); highest among the groups gnomAD compares: South Asian, 0.17%; no homozygotes.

Submission:

Joint Genome Diagnostic Labs from Nijmegen and Maastricht, Radboudumc and MUMC+
Classification: Uncertain significance for visual impairment. Review status: no assertion criteria provided. Collection method: clinical testing. Allele origin: germline. Affected: yes.